The following is an entry in ClinVar:

ClinVar aggregate classification (germline): Pathogenic. Review status: criteria provided, single submitter (1 of 4 stars). 3 submissions from 3 submitters: Pathogenic (1). 2 of the submissions do not count toward it. Last evaluated 2012-11-15.

Conditions:
X-linked sideroblastic anemia with ataxia (SCAX6). Also called: SPINOCEREBELLAR ATAXIA, X-LINKED 6, WITH OR WITHOUT SIDEROBLASTIC ANEMIA. Identifiers: Orphanet 2802, MedGen C1845028, MONDO:0010524, OMIM 301310.

Submissions (3):

GeneDx
Classification: Pathogenic. Last evaluated: 2012-11-15. Review status: criteria provided, single submitter. Criteria: GeneDx Variant Classification (06012015). Collection method: clinical testing. Allele origin: germline. Affected: yes.
Comment: p.Ile401Met (ATT>ATG): c.1203 T>G in exon 9 of the ABCB7 gene (NM_004299.3). The I401M missense mutation in the ABCB7 gene has been reported previously in association with X-linked sideroblastic anemia in a family in which five male members were affected (Allikmets et al., 1999). In vitro studies using a yeast model found that the I401M mutation results in a partial loss of function of the yeast Atm1 protein (Allikmets et al., 1999). This result is consistent with a diagnosis of X-linked sideroblastic anemia. The variant is found in MITONUC-MITOP panel(s).

OMIM
Classification: Pathogenic for SPINOCEREBELLAR ATAXIA, X-LINKED 6, WITH SIDEROBLASTIC ANEMIA. Last evaluated: 1999-05-01. Review status: no assertion criteria provided. Collection method: literature only. Allele origin: germline. Not counted in ClinVar's aggregate classification.

GeneReviews
No classification provided. Condition: X-linked sideroblastic anemia with ataxia. Review status: no classification provided. Collection method: literature only. Allele origin: germline. Affected: yes. Not counted in ClinVar's aggregate classification.

Literature cited by the submitters: PubMed 4045952 (cited by OMIM); PubMed 10196363 (cited by OMIM and GeneReviews).

NM_001271696.3(ABCB7):c.1200T>G (p.Ile400Met)

Gene: ABCB7 (ATP binding cassette subfamily B member 7; minus strand). Cytogenetic location: Xq13.3.
Variant type: single nucleotide variant.
Coding change: c.1200T>G on transcript NM_001271696.3 (MANE Select); coding-DNA position 1200, T replaced by G.
Protein change: p.Ile400Met; replaces isoleucine 400 with methionine.
Molecular consequence: missense variant.
Genome position (GRCh38, 1-based): chrX:75,071,516, A>C on the plus strand (T>G on the coding strand, the complement: ABCB7 is on the minus strand). VCF-style: chrX-75071516-A-C. GRCh37 (hg19) VCF-style: chrX-74291351-A-C.
Other names: p.I401M:ATT>ATG; c.1080T>G, p.Ile360Met (NM_001271697.3); c.1122T>G, p.Ile374Met (NM_001271698.3); c.1083T>G, p.Ile361Met (NM_001271699.3); c.1203T>G, p.Ile401Met (NM_004299.6); short protein forms I400M, I360M, I361M, I374M.
Identifiers: ClinVar variation 11574 (VCV000011574.5), dbSNP rs72554634, ClinGen allele CA321819.
Genomic context (GRCh38, chrX:75,071,516, plus strand): 5'-TTTATTTATAAAAGTTGAACAGCCTGTAAATGTGATAGCCACAGACTCATTACCTGCCAC[A>C]ATTCCCTGACTGGCGAGCACCATTATAGCTGTTAAACCGACACTGAAAATAGCACTTTGA-3'
Protein context (NP_001258625.1, residues 390-410): TAIMVLASQG[Ile400Met]VAGTLTVGDL